The following is an entry in ClinVar:

ClinVar aggregate classification (germline): Conflicting classifications of pathogenicity. Review status: criteria provided, conflicting classifications (1 of 4 stars). 4 submissions from 3 submitters: Uncertain significance (2); Benign (1). 1 of the submissions does not count toward it. Last evaluated 2025-01-07.

Conditions:
VSX2-related disorder. Also called: VSX2-related condition.
Microphthalmia, isolated, with coloboma 3 (MCOPCB3). Also called: MICROPHTHALMIA/COLOBOMA 3; MICROPHTHALMIA, COLOBOMATOUS, 3. Identifiers: Orphanet 98938, MedGen C1864721, MONDO:0012408, OMIM 610092.
Isolated microphthalmia 2. Identifiers: Orphanet 2542, MedGen C1864720, MONDO:0012409, OMIM 610093.

Allele frequency attached by ClinVar (database versions not stated): gnomAD exomes 0.00022; ExAC 0.00026; gnomAD 0.00079 and 0.00082; TOPMed 0.00080; 1000 Genomes Project 30x 0.00094; 1000 Genomes Project 0.00100; ESP Exome Variant Server 0.00100.
gnomAD v4.1: 230 of 1,613,654 alleles (0.014%); highest among the groups gnomAD compares: African/African-American, 0.27%; no homozygotes.

Submissions (4):

Labcorp Genetics (formerly Invitae), Labcorp
Classification: Benign for Isolated microphthalmia 2. Last evaluated: 2025-01-07. Review status: criteria provided, single submitter. Criteria: Invitae Variant Classification Sherloc (09022015). Collection method: clinical testing. Allele origin: germline.

Illumina Laboratory Services, Illumina
Classification: Uncertain significance for Microphthalmia, isolated, with coloboma 3. Last evaluated: 2018-01-13. Review status: criteria provided, single submitter. Criteria: ICSL Variant Classification Criteria 13 December 2019. Collection method: clinical testing. Allele origin: germline.

Illumina Laboratory Services, Illumina
Classification: Uncertain significance for Isolated microphthalmia 2. Last evaluated: 2018-01-13. Review status: criteria provided, single submitter. Criteria: ICSL Variant Classification Criteria 13 December 2019. Collection method: clinical testing. Allele origin: germline.

PreventionGenetics, part of Exact Sciences
Classification: Likely benign for VSX2-related condition. Last evaluated: 2019-09-23. Review status: no assertion criteria provided. Collection method: clinical testing. Allele origin: germline. Not counted in ClinVar's aggregate classification.
Comment: This variant is classified as likely benign based on ACMG/AMP sequence variant interpretation guidelines (Richards et al. 2015 PMID: 25741868, with internal and published modifications).

NM_182894.3(VSX2):c.699C>T (p.Pro233=)

Gene: VSX2 (visual system homeobox 2; plus strand). Cytogenetic location: 14q24.3.
Variant type: single nucleotide variant.
Coding change: c.699C>T on transcript NM_182894.3 (MANE Select); coding-DNA position 699, C replaced by T.
Protein change: p.Pro233=; no amino-acid change (proline 233 retained).
Molecular consequence: synonymous variant.
Genome position (GRCh38, 1-based): chr14:74,259,721, C>T. VCF-style: chr14-74259721-C-T. GRCh37 (hg19) VCF-style: chr14-74726424-C-T.
Identifiers: ClinVar variation 705711 (VCV000705711.17), dbSNP rs141712104, ClinGen allele CA7266413.
Genomic context (GRCh38, chr14:74,259,721, plus strand): 5'-CAGTGTCATGGCGGAGTATGGGCTCTACGGGGCCATGGTGCGGCACTCCATCCCCCTGCC[C>T]GAGTCCATCCTCAAGTCAGCCAAGGATGGCATCATGGACTCCTGTGCCCCGTGGCTACTG-3'
Protein context (NP_878314.1, residues 223-243): GAMVRHSIPL[Pro233=]ESILKSAKDG